The following is an entry in ClinVar:

NM_005912.3(MC4R):c.681T>C (p.Ala227=)

Gene: MC4R (melanocortin 4 receptor; minus strand). Cytogenetic location: 18q21.32.
Variant type: single nucleotide variant.
Coding change: c.681T>C on transcript NM_005912.3 (MANE Select); coding-DNA position 681, T replaced by C.
Protein change: p.Ala227=; no amino-acid change (alanine 227 retained).
Molecular consequence: synonymous variant.
Genome position (GRCh38, 1-based): chr18:60,371,669, A>G on the plus strand (T>C on the coding strand, the complement: MC4R is on the minus strand). VCF-style: chr18-60371669-A-G. GRCh37 (hg19) VCF-style: chr18-58038902-A-G.
Identifiers: ClinVar variation 3045769 (VCV003045769.2), dbSNP rs747444659, ClinGen allele CA8980868.

ClinVar aggregate classification (germline): Likely benign (0 of 4 stars; one submission).

Conditions:
MC4R-related disorder. Also called: MC4R-related condition.

Allele frequency attached by ClinVar (database versions not stated): gnomAD exomes 0.00001; ExAC 0.00003.
gnomAD v4.1: 12 of 1,614,246 alleles (0.00074%); highest among the groups gnomAD compares: South Asian, 0.0099%; no homozygotes.

Submission:

PreventionGenetics, part of Exact Sciences
Classification: Likely benign for MC4R-related condition. Last evaluated: 2019-10-11. Review status: no assertion criteria provided. Collection method: clinical testing. Allele origin: germline.
Comment: This variant is classified as likely benign based on ACMG/AMP sequence variant interpretation guidelines (Richards et al. 2015 PMID: 25741868, with internal and published modifications).